The following is an entry in ClinVar:

NM_000038.6(APC):c.3451G>A (p.Glu1151Lys)

Gene: APC (APC regulator of Wnt signaling pathway; plus strand). Cytogenetic location: 5q22.2.
Variant type: single nucleotide variant.
Coding change: c.3451G>A on transcript NM_000038.6 (MANE Select); coding-DNA position 3451, G replaced by A.
Protein change: p.Glu1151Lys; replaces glutamic acid 1151 with lysine.
Molecular consequence: missense variant.
Genome position (GRCh38, 1-based): chr5:112,839,045, G>A. VCF-style: chr5-112839045-G-A. GRCh37 (hg19) VCF-style: chr5-112174742-G-A.
Other names: c.3451G>A, p.Glu1151Lys (NM_001127510.3, NM_001354895.2, NM_001407450.1); c.3397G>A, p.Glu1133Lys (NM_001127511.3); c.3505G>A, p.Glu1169Lys (NM_001354896.2, NM_001407447.1, NM_001407448.1 and 1 more transcripts); c.3481G>A, p.Glu1161Lys (NM_001354897.2); c.3376G>A, p.Glu1126Lys (NM_001354898.2); c.3367G>A, p.Glu1123Lys (NM_001354899.2); c.3328G>A, p.Glu1110Lys (NM_001354900.2); c.3274G>A, p.Glu1092Lys (NM_001354901.2, NM_001407453.1); and 11 more; short protein forms E1050K, E1169K, E991K, E1060K, E1068K, E1144K, E868K, E1022K.
Identifiers: ClinVar variation 1731572 (VCV001731572.3), dbSNP rs1554085013, ClinGen allele CA16028899.

ClinVar aggregate classification (germline): Uncertain significance (1 of 4 stars; one submission).

Conditions:
Hereditary cancer-predisposing syndrome. Also called: Neoplastic Syndromes, Hereditary; Tumor predisposition; Hereditary Cancer Syndrome; Hereditary neoplastic syndrome. Identifiers: Orphanet 140162, MedGen C0027672, MeSH D009386, MONDO:0015356.

Submission:

Ambry Genetics
Classification: Uncertain significance for Hereditary cancer-predisposing syndrome. Last evaluated: 2024-05-06. Review status: criteria provided, single submitter. Criteria: Ambry Variant Classification Scheme 2023. Collection method: clinical testing. Allele origin: germline.
Comment: The p.E1151K variant (also known as c.3451G>A), located in coding exon 15 of the APC gene, results from a G to A substitution at nucleotide position 3451. The glutamic acid at codon 1151 is replaced by lysine, an amino acid with similar properties. This amino acid position is well conserved in available vertebrate species. In addition, in silico predictors for this gene do not accurately predict pathogenicity. Since supporting evidence is limited at this time, the clinical significance of this alteration remains unclear.